The following is an entry in ClinVar:

NM_030625.3(TET1):c.2953G>T (p.Ala985Ser)

Gene: TET1 (tet methylcytosine dioxygenase 1; plus strand). Cytogenetic location: 10q21.3.
Variant type: single nucleotide variant.
Coding change: c.2953G>T on transcript NM_030625.3 (MANE Select); coding-DNA position 2953, G replaced by T.
Protein change: p.Ala985Ser; replaces alanine 985 with serine.
Molecular consequence: missense variant.
Genome position (GRCh38, 1-based): chr10:68,645,682, G>T. VCF-style: chr10-68645682-G-T. GRCh37 (hg19) VCF-style: chr10-70405439-G-T.
Other names: short protein forms A985S.
Identifiers: ClinVar variation 778463 (VCV000778463.6), dbSNP rs74412312, ClinGen allele CA5526355.

ClinVar aggregate classification (germline): Benign. Review status: criteria provided, multiple submitters, no conflicts (2 of 4 stars). 3 submissions from 3 submitters: Benign (2). 1 of the submissions does not count toward it. Last evaluated 2018-06-29.

Conditions:
TET1-related disorder. Also called: TET1-related condition.

Allele frequency attached by ClinVar (database versions not stated): gnomAD exomes 0.00194 and 0.00548; ExAC 0.00683; gnomAD 0.02109 and 0.02261; 1000 Genomes Project 0.02416; TOPMed 0.02449; ESP Exome Variant Server 0.02591; 1000 Genomes Project 30x 0.02670.
gnomAD v4.1: 6,175 of 1,614,066 alleles (0.38%); highest among the groups gnomAD compares: African/African-American, 7.2%; 212 homozygotes.

Submissions (3):

Labcorp Genetics (formerly Invitae), Labcorp
Classification: Benign. Last evaluated: 2018-06-29. Review status: criteria provided, single submitter. Criteria: Invitae Variant Classification Sherloc (09022015). Collection method: clinical testing. Allele origin: germline.

Breakthrough Genomics
Classification: Benign. Review status: criteria provided, single submitter. Criteria: ACMG Guidelines, 2015. Collection method: not provided. Allele origin: germline. Inheritance: Unknown mechanism. Affected: yes.

PreventionGenetics, part of Exact Sciences
Classification: Benign for TET1-related condition. Last evaluated: 2020-01-02. Review status: no assertion criteria provided. Collection method: clinical testing. Allele origin: germline. Not counted in ClinVar's aggregate classification.
Comment: This variant is classified as benign based on ACMG/AMP sequence variant interpretation guidelines (Richards et al. 2015 PMID: 25741868, with internal and published modifications).